The following is an entry in ClinVar:

NM_001099857.5(IKBKG):c.519-3_519dup

Gene: IKBKG (inhibitor of nuclear factor kappa B kinase regulatory subunit gamma; plus strand). Cytogenetic location: Xq28.
Variant type: Duplication.
Coding change: c.519-3_519dup on transcript NM_001099857.5 (MANE Select); 3 bases into the intron before coding-DNA position 519 through coding-DNA position 519, 4 bases duplicated (CAGG; older notation c.519-3_519dupCAGG).
Molecular consequence: splice acceptor variant. On other transcripts: intron variant (3).
Genome position (GRCh38, 1-based): chrX:154,560,404-154,560,407, CAGG duplicated. VCF-style (leftmost placement, unchanged base first): chrX-154560403-C-CCAGG. GRCh37 (hg19) VCF-style: chrX-153788618-C-CCAGG.
Other names: c.519-3_519dup (NM_001377312.1, NM_001321396.3, NM_003639.4); c.516-3_516dup (NM_001377313.1, NM_001321397.3); c.723-3_723dup (NM_001099856.6); c.519-1284_519-1281dup (NM_001145255.4); c.516-1284_516-1281dup (NM_001377314.1); c.400-2406_400-2403dup (NM_001377315.1); c.519-3_519dupCAGG (NM_003639.4, NM_003639.3).
Identifiers: ClinVar variation 503711 (VCV000503711.3), dbSNP rs1557236445, ClinGen allele CA658799925.

ClinVar aggregate classification (germline): Pathogenic. Review status: criteria provided, multiple submitters, no conflicts (2 of 4 stars). 2 submissions from 2 submitters: Pathogenic (2). Last evaluated 2024-03-06.

Conditions:
Incontinentia pigmenti syndrome (IP). Also called: BLOCH-SULZBERGER SYNDROME; Incontinentia Pigmenti; INCONTINENTIA PIGMENTI, FAMILIAL MALE-LETHAL TYPE; INCONTINENTIA PIGMENTI, TYPE II. Identifiers: Orphanet 464, MedGen C0021171, MONDO:0010631, OMIM 308300.

Submissions (2):

GeneDx
Classification: Pathogenic. Last evaluated: 2024-03-06. Review status: criteria provided, single submitter. Criteria: GeneDx Variant Classification Process June 2021. Collection method: clinical testing. Allele origin: germline. Affected: yes.
Comment: Frameshift variant predicted to result in protein truncation or nonsense mediated decay in a gene for which loss-of-function is a known mechanism of disease; No data available from control populations to assess the frequency of this variant; This variant is associated with the following publications: (PMID: 35547601, 35665106, 24339369)

Women's Health and Genetics/Laboratory Corporation of America, LabCorp
Classification: Pathogenic for Incontinentia pigmenti syndrome. Last evaluated: 2024-01-18. Review status: criteria provided, single submitter. Criteria: LabCorp Variant Classification Summary - May 2015. Collection method: clinical testing. Allele origin: germline.
Comment: Variant summary: IKBKG c.519-3_519dupCAGG involves a canonical splice-site and is predicted to affect mRNA splicing resulting in a significantly altered protein due to either exon skipping, shortening, or inclusion of intronic material. Several computational tools predict a significant impact on normal splicing: Three predict the variant weakens the canonical 3' acceptor site and creates a new 3' acceptor site, which is expected to result in a frameshift (p.Ala174Glnfs*15). The variant allele was found at a frequency of 9.5e-06 in 104789 control chromosomes (gnomAD and Lee_2009). c.519-3_519dupCAGG has been reported in the literature in the heterozygous state in female individuals affected with Incontinentia Pigmenti (e.g. Lee_2019, Conte_2014). These data indicate that the variant is likely to be associated with disease. To our knowledge, no experimental evidence demonstrating an impact on protein function has been reported. The following publications have been ascertained in the context of this evaluation (PMID: 24339369, 19656162). ClinVar contains an entry for this variant (Variation ID: 503711). Based on the evidence outlined above, the variant was classified as pathogenic.

Literature cited by the submitters: PubMed 24339369 (cited by Women's Health and Genetics/Laboratory Corporation of America, LabCorp); PubMed 19656162 (cited by Women's Health and Genetics/Laboratory Corporation of America, LabCorp).